The following is an entry in ClinVar:

ClinVar aggregate classification (germline): Uncertain significance (1 of 4 stars; one submission).

Conditions:
Inborn genetic diseases. Identifiers: MedGen C0950123, MeSH D030342.

gnomAD v4.1: 1 of 1,612,094 alleles (0.000062%); highest among the groups gnomAD compares: South Asian, 0.0011%; no homozygotes.

Submission:

Ambry Genetics
Classification: Uncertain significance for Inborn genetic diseases. Last evaluated: 2025-03-22. Review status: criteria provided, single submitter. Criteria: Ambry Variant Classification Scheme 2023. Collection method: clinical testing. Allele origin: germline.
Comment: The p.Y17C variant (also known as c.50A>G), located in coding exon 2 of the ETV6 gene, results from an A to G substitution at nucleotide position 50. The tyrosine at codon 17 is replaced by cysteine, an amino acid with highly dissimilar properties. This amino acid position is conserved. In addition, this alteration is predicted to be tolerated by in silico analysis. Based on the available evidence, the clinical significance of this variant remains unclear.

NM_001987.5(ETV6):c.50A>G (p.Tyr17Cys)

Gene: ETV6 (ETS variant transcription factor 6; plus strand). Cytogenetic location: 12p13.2.
Variant type: single nucleotide variant.
Coding change: c.50A>G on transcript NM_001987.5 (MANE Select); coding-DNA position 50, A replaced by G.
Protein change: p.Tyr17Cys; replaces tyrosine 17 with cysteine.
Molecular consequence: missense variant. On other transcripts: intron variant (1).
Genome position (GRCh38, 1-based): chr12:11,752,466, A>G. VCF-style: chr12-11752466-A-G. GRCh37 (hg19) VCF-style: chr12-11905400-A-G.
Other names: c.47A>G, p.Tyr16Cys (NM_001413913.1); c.23A>G, p.Tyr8Cys (NM_001413914.1); c.50A>G, p.Tyr17Cys (NM_001413916.1, NM_001413917.1, NM_001413918.1); c.-101-86674A>G (NM_001413915.1); short protein forms Y8C, Y16C, Y17C.
Identifiers: ClinVar variation 4020048 (VCV004020048.1).
Genomic context (GRCh38, chr12:11,752,466, plus strand): 5'-TTGTCTCTCTCCCCCTCCCCTCTTCCTGCCCTTATTTTTAACAGCAGGAACGAATTTCAT[A>G]TACACCTCCAGAGAGCCCAGTGCCGAGTTACGCTTCCTCGACGCCACTTCATGTTCCAGT-3'
Protein context (NP_001978.1, residues 7-27): QCSIKQERIS[Tyr17Cys]TPPESPVPSY